The following is an entry in ClinVar:

NM_182914.3(SYNE2):c.11876C>T (p.Thr3959Ile)

Gene: SYNE2 (spectrin repeat containing nuclear envelope protein 2; plus strand). Cytogenetic location: 14q23.2.
Variant type: single nucleotide variant.
Coding change: c.11876C>T on transcript NM_182914.3 (MANE Select); coding-DNA position 11876, C replaced by T.
Protein change: p.Thr3959Ile; replaces threonine 3959 with isoleucine.
Molecular consequence: missense variant.
Genome position (GRCh38, 1-based): chr14:64,090,948, C>T. VCF-style: chr14-64090948-C-T. GRCh37 (hg19) VCF-style: chr14-64557666-C-T.
Other names: c.11876C>T, p.Thr3959Ile (NM_015180.6); short protein forms T3959I.
Identifiers: ClinVar variation 470919 (VCV000470919.12), dbSNP rs149790389, ClinGen allele CA7221942.

ClinVar aggregate classification (germline): Uncertain significance. Review status: criteria provided, multiple submitters, no conflicts (2 of 4 stars). 3 submissions from 3 submitters: Uncertain significance (3). Last evaluated 2025-07-09.

Conditions:
Emery-Dreifuss muscular dystrophy 5, autosomal dominant (EDMD5). Also called: EMERY-DREIFUSS MUSCULAR DYSTROPHY 5. Identifiers: Orphanet 261, MedGen C2751805, MONDO:0013072, OMIM 612999.

Allele frequency attached by ClinVar (database versions not stated): gnomAD 0.00006; ESP Exome Variant Server 0.00008; TOPMed 0.00010.
gnomAD v4.1: 191 of 1,613,980 alleles (0.012%); highest among the groups gnomAD compares: Non-Finnish European, 0.016%; 1 homozygote.

Submissions (3):

Labcorp Genetics (formerly Invitae), Labcorp
Classification: Uncertain significance for Emery-Dreifuss muscular dystrophy 5, autosomal dominant. Last evaluated: 2025-07-09. Review status: criteria provided, single submitter. Criteria: Invitae Variant Classification Sherloc (09022015). Collection method: clinical testing. Allele origin: germline.
Comment: This sequence change replaces threonine, which is neutral and polar, with isoleucine, which is neutral and non-polar, at codon 3959 of the SYNE2 protein (p.Thr3959Ile). This variant is present in population databases (rs149790389, gnomAD 0.007%). This variant has not been reported in the literature in individuals affected with SYNE2-related conditions. ClinVar contains an entry for this variant (Variation ID: 470919). An algorithm developed to predict the effect of missense changes on protein structure and function (PolyPhen-2) suggests that this variant is likely to be tolerated. In summary, the available evidence is currently insufficient to determine the role of this variant in disease. Therefore, it has been classified as a Variant of Uncertain Significance.

Ambry Genetics
Classification: Uncertain significance. Last evaluated: 2024-12-31. Review status: criteria provided, single submitter. Criteria: Ambry Variant Classification Scheme 2023. Collection method: clinical testing. Allele origin: germline.

Revvity Omics, Revvity
Classification: Uncertain significance for Emery-Dreifuss muscular dystrophy 5, autosomal dominant. Last evaluated: 2019-09-19. Review status: criteria provided, single submitter. Criteria: ACMG Guidelines, 2015. Collection method: clinical testing. Allele origin: germline.